The following is an entry in ClinVar:

NM_058216.3(RAD51C):c.617C>A (p.Ser206Tyr)

Genes: RAD51C (RAD51 paralog C; plus strand), LOC129390903 (MPRA-validated peak2919 silencer; plus strand). Cytogenetic location: 17q22.
Variant type: single nucleotide variant.
Coding change: c.617C>A on transcript NM_058216.3 (MANE Select); coding-DNA position 617, C replaced by A.
Protein change: p.Ser206Tyr; replaces serine 206 with tyrosine.
Molecular consequence: missense variant. On other transcripts: non-coding transcript variant (1).
Genome position (GRCh38, 1-based): chr17:58,703,241, C>A. VCF-style: chr17-58703241-C-A. GRCh37 (hg19) VCF-style: chr17-56780602-C-A.
Other names: c.*45C>A (NM_058217.1); short protein forms S206Y.
Identifiers: ClinVar variation 1957377 (VCV001957377.8), dbSNP rs2048270572, ClinGen allele CA400349362.

ClinVar aggregate classification (germline): Conflicting classifications of pathogenicity. Review status: criteria provided, conflicting classifications (1 of 4 stars). 2 submissions from 2 submitters: Uncertain significance (1); Likely benign (1). Last evaluated 2025-12-04.

Conditions:
Hereditary cancer-predisposing syndrome. Also called: Tumor predisposition; Hereditary neoplastic syndrome; Hereditary Cancer Syndrome; Neoplastic Syndromes, Hereditary. Identifiers: Orphanet 140162, MedGen C0027672, MeSH D009386, MONDO:0015356.
Fanconi anemia complementation group O. Also called: RAD51C-Related Fanconi Anemia. Identifiers: Orphanet 84, MedGen C3150653, MONDO:0013248, OMIM 613390.

Allele frequency attached by ClinVar (database versions not stated): TOPMed below 0.00001; gnomAD 0.00001.
gnomAD v4.1: 2 of 1,607,934 alleles (0.00012%); highest among the groups gnomAD compares: Admixed American, 0.0033%; no homozygotes.

Submissions (2):

Labcorp Genetics (formerly Invitae), Labcorp
Classification: Uncertain significance for Fanconi anemia complementation group O. Last evaluated: 2025-12-04. Review status: criteria provided, single submitter. Criteria: Invitae Variant Classification Sherloc (09022015). Collection method: clinical testing. Allele origin: germline.
Comment: This sequence change replaces serine, which is neutral and polar, with tyrosine, which is neutral and polar, at codon 206 of the RAD51C protein (p.Ser206Tyr). This variant is not present in population databases (gnomAD no frequency). This variant has not been reported in the literature in individuals affected with RAD51C-related conditions. ClinVar contains an entry for this variant (Variation ID: 1957377). Invitae Evidence Modeling of protein sequence and biophysical properties (such as structural, functional, and spatial information, amino acid conservation, physicochemical variation, residue mobility, and thermodynamic stability) indicates that this missense variant is expected to disrupt RAD51C protein function with a positive predictive value of 80%. In summary, the available evidence is currently insufficient to determine the role of this variant in disease. Therefore, it has been classified as a Variant of Uncertain Significance.

Ambry Genetics
Classification: Likely benign for Hereditary cancer-predisposing syndrome. Last evaluated: 2025-10-17. Review status: criteria provided, single submitter. Criteria: Ambry Variant Classification Scheme 2023. Collection method: clinical testing. Allele origin: germline.